The following is an entry in ClinVar:

ClinVar aggregate classification (germline): Benign (1 of 4 stars; one submission).

Conditions:
Ehlers-Danlos syndrome, dermatosparaxis type. Also called: Ehlers-Danlos syndrome, type VII, autosomal recessive; EDS VIIC; Dermatosparaxis. Identifiers: Orphanet 1901, MedGen C2700425, MONDO:0009161, OMIM 225410.

Allele frequency attached by ClinVar (database versions not stated): gnomAD exomes 0.00039; gnomAD 0.00707 and 0.00754; 1000 Genomes Project 0.00739; 1000 Genomes Project 30x 0.00781; TOPMed 0.00782.
gnomAD v4.1: 1,071 of 171,162 alleles (0.63%); highest among the groups gnomAD compares: African/African-American, 2.4%; 7 homozygotes.

Submission:

Illumina Laboratory Services, Illumina
Classification: Benign for Ehlers-Danlos syndrome, dermatosparaxis type. Last evaluated: 2018-01-13. Review status: criteria provided, single submitter. Criteria: ICSL Variant Classification Criteria 13 December 2019. Collection method: clinical testing. Allele origin: germline.
Comment: This variant was observed in the ICSL laboratory as part of a predisposition screen in an ostensibly healthy population. It had not been previously curated by ICSL or reported in the Human Gene Mutation Database (HGMD: prior to June 1st, 2018), and was therefore a candidate for classification through an automated scoring system. Utilizing variant allele frequency, disease prevalence and penetrance estimates, and inheritance mode, an automated score was calculated to assess if this variant is too frequent to cause the disease. Based on the score and internal cut-off values, a variant classified as benign is not then subjected to further curation. The score for this variant resulted in a classification of benign for this disease.

NM_014244.5(ADAMTS2):c.*534G>A

Gene: ADAMTS2 (ADAM metallopeptidase with thrombospondin type 1 motif 2; minus strand). Cytogenetic location: 5q35.3.
Variant type: single nucleotide variant.
Coding change: c.*534G>A on transcript NM_014244.5 (MANE Select); 534 bases downstream of the stop codon, G replaced by A.
Molecular consequence: 3 prime UTR variant.
Genome position (GRCh38, 1-based): chr5:179,113,333, C>T on the plus strand (G>A on the coding strand, the complement: ADAMTS2 is on the minus strand). VCF-style: chr5-179113333-C-T. GRCh37 (hg19) VCF-style: chr5-178540334-C-T.
Identifiers: ClinVar variation 905561 (VCV000905561.4), dbSNP rs73806885, ClinGen allele CA133018531.